The following is an entry in ClinVar:

ClinVar aggregate classification (germline): Uncertain significance (1 of 4 stars; one submission).

Conditions:
ENHANCED S-CONE SYNDROME 1 (ESCS1). Also called: RETINOSCHISIS WITH EARLY HEMERALOPIA; FAVRE HYALOIDEORETINAL DEGENERATION. Identifiers: MedGen CN380299, OMIM 268100.

Submission:

Myriad Genetics, Inc.
Classification: Uncertain significance for ENHANCED S-CONE SYNDROME 1. Last evaluated: 2025-12-17. Review status: criteria provided, single submitter. Criteria: Myriad Autosomal Dominant, Autosomal Recessive and X-Linked Classification Criteria (2023). Collection method: clinical testing. Allele origin: unknown.
Comment: NM_014249.2(NR2E3):c.1153C>T(R385C) is a missense variant classified as a variant of uncertain significance in the context of enhanced S-cone syndrome. R385C has not been observed in cases with relevant disease. Relevant functional assessments of this variant are not available in the literature. R385C has not been observed in referenced population frequency databases. In summary, there is insufficient evidence to classify NM_014249.2(NR2E3):c.1153C>T(R385C) as pathogenic or benign. Please note: this variant was assessed in the context of healthy population screening.

NM_014249.4(NR2E3):c.1153C>T (p.Arg385Cys)

Gene: NR2E3 (nuclear receptor subfamily 2 group E member 3; plus strand). Cytogenetic location: 15q23.
Variant type: single nucleotide variant.
Coding change: c.1153C>T on transcript NM_014249.4 (MANE Select); coding-DNA position 1153, C replaced by T.
Protein change: p.Arg385Cys; replaces arginine 385 with cysteine.
Molecular consequence: missense variant.
Genome position (GRCh38, 1-based): chr15:71,817,604, C>T. VCF-style: chr15-71817604-C-T. GRCh37 (hg19) VCF-style: chr15-72109945-C-T.
Other names: short protein forms R385C.
Identifiers: ClinVar variation 5003372 (VCV005003372.1).